The following is an entry in ClinVar:

ClinVar aggregate classification (germline): Uncertain significance (1 of 4 stars; one submission).

Conditions:
FG syndrome (FGS). Identifiers: MedGen C0220769, MONDO:0002010.

Submission:

Labcorp Genetics (formerly Invitae), Labcorp
Classification: Uncertain significance for FG syndrome. Last evaluated: 2023-08-14. Review status: criteria provided, single submitter. Criteria: Invitae Variant Classification Sherloc (09022015). Collection method: clinical testing. Allele origin: germline.
Comment: This sequence change falls in intron 39 of the MED12 gene. It does not directly change the encoded amino acid sequence of the MED12 protein. In summary, the available evidence is currently insufficient to determine the role of this variant in disease. Therefore, it has been classified as a Variant of Uncertain Significance. Algorithms developed to predict the effect of sequence changes on RNA splicing suggest that this variant may disrupt the consensus splice site. This variant has not been reported in the literature in individuals affected with MED12-related conditions. This variant is not present in population databases (gnomAD no frequency).

NM_005120.3(MED12):c.5748+11T>G

Gene: MED12 (mediator complex subunit 12; plus strand). Cytogenetic location: Xq13.1.
Variant type: single nucleotide variant.
Coding change: c.5748+11T>G on transcript NM_005120.3 (MANE Select); 11 bases into the intron after coding-DNA position 5748, T replaced by G.
Molecular consequence: intron variant.
Genome position (GRCh38, 1-based): chrX:71,137,394, T>G. VCF-style: chrX-71137394-T-G. GRCh37 (hg19) VCF-style: chrX-70357244-T-G.
Identifiers: ClinVar variation 2752555 (VCV002752555.3), dbSNP rs2519714351, ClinGen allele CA413537739.